The following is an entry in ClinVar:

NM_000540.3(RYR1):c.1105G>C (p.Gly369Arg)

Gene: RYR1 (ryanodine receptor 1; plus strand). Cytogenetic location: 19q13.2.
Variant type: single nucleotide variant.
Coding change: c.1105G>C on transcript NM_000540.3 (MANE Select); coding-DNA position 1105, G replaced by C.
Protein change: p.Gly369Arg; replaces glycine 369 with arginine.
Molecular consequence: missense variant.
Genome position (GRCh38, 1-based): chr19:38,448,796, G>C. VCF-style: chr19-38448796-G-C. GRCh37 (hg19) VCF-style: chr19-38939436-G-C.
Other names: c.1105G>C, p.Gly369Arg (NM_001042723.2); short protein forms G369R.
Identifiers: ClinVar variation 2056244 (VCV002056244.2), dbSNP rs570010656, ClinGen allele CA308115806.

ClinVar aggregate classification (germline): Uncertain significance. Review status: criteria provided, multiple submitters, no conflicts (2 of 4 stars). 2 submissions from 2 submitters: Uncertain significance (2). Last evaluated 2024-09-23.

Conditions:
Malignant hyperthermia, susceptibility to, 1 (MHS1). Also called: Anesthesia related hyperthermia; Malignant hyperpyrexia; Fulminating hyperpyrexia; Pharmacogenic myopathy; RYR1-Related Malignant Hyperthermia Susceptibility; Malignant hyperthermia suceptibility 1. Identifiers: Orphanet 423, MedGen C2930980, MONDO:0007783, OMIM 145600.
RYR1-related disorder. Also called: RYR1-related condition; RYR1-related disorders. Identifiers: MedGen CN239331.

Allele frequency attached by ClinVar (database versions not stated): 1000 Genomes Project 30x 0.00016; 1000 Genomes Project 0.00060.
gnomAD v4.1: 2 of 1,613,992 alleles (0.00012%); highest among the groups gnomAD compares: East Asian, 0.0045%; no homozygotes.

Submissions (2):

All of Us Research Program, National Institutes of Health
Classification: Uncertain significance for Malignant hyperthermia, susceptibility to, 1. Last evaluated: 2024-09-23. Review status: criteria provided, single submitter. Criteria: ACMG Guidelines, 2015. Collection method: clinical testing. Allele origin: germline. Inheritance: Autosomal dominant inheritance. Observed: 1 variant allele, 1 heterozygote.
Comment: This study involves interpretation of variants in research participants for the purpose of population health screening. Participant phenotype was not available at the time of variant classification. Additional details can be found in publication PMID: 35346344, PMCID: PMC8962531

Labcorp Genetics (formerly Invitae), Labcorp
Classification: Uncertain significance for RYR1-related disorder. Last evaluated: 2022-03-22. Review status: criteria provided, single submitter. Criteria: Invitae Variant Classification Sherloc (09022015). Collection method: clinical testing. Allele origin: germline.
Comment: This sequence change replaces glycine, which is neutral and non-polar, with arginine, which is basic and polar, at codon 369 of the RYR1 protein (p.Gly369Arg). This variant is present in population databases (rs570010656, gnomAD 0.006%). This variant has not been reported in the literature in individuals affected with RYR1-related conditions. Advanced modeling of protein sequence and biophysical properties (such as structural, functional, and spatial information, amino acid conservation, physicochemical variation, residue mobility, and thermodynamic stability) performed at Invitae indicates that this missense variant is expected to disrupt RYR1 protein function. In summary, the available evidence is currently insufficient to determine the role of this variant in disease. Therefore, it has been classified as a Variant of Uncertain Significance.